The following is an entry in ClinVar:

ClinVar aggregate classification (germline): Uncertain significance. Review status: criteria provided, multiple submitters, no conflicts (2 of 4 stars). 2 submissions from 2 submitters: Uncertain significance (2). Last evaluated 2023-10-25.

Conditions:
Ehlers-Danlos syndrome, classic type, 1 (EDSCL1). Also called: EHLERS-DANLOS SYNDROME, GRAVIS TYPE; EHLERS-DANLOS SYNDROME, SEVERE CLASSIC TYPE; Ehlers-Danlos syndrome, type 1; Ehlers-Danlos Syndrome, Classic Type, COL5A1-Related; EDS I. Identifiers: MedGen C0268335, MONDO:0019567, OMIM 130000.

Allele frequency attached by ClinVar (database versions not stated): TOPMed 0.00001.
gnomAD v4.1: 1 of 1,613,932 alleles (0.000062%); no homozygotes.

Submissions (2):

Labcorp Genetics (formerly Invitae), Labcorp
Classification: Uncertain significance for Ehlers-Danlos syndrome, classic type, 1. Last evaluated: 2023-10-25. Review status: criteria provided, single submitter. Criteria: Invitae Variant Classification Sherloc (09022015). Collection method: clinical testing. Allele origin: germline.
Comment: This sequence change replaces isoleucine, which is neutral and non-polar, with threonine, which is neutral and polar, at codon 180 of the COL5A1 protein (p.Ile180Thr). This variant is not present in population databases (gnomAD no frequency). This variant has not been reported in the literature in individuals affected with COL5A1-related conditions. Advanced modeling of protein sequence and biophysical properties (such as structural, functional, and spatial information, amino acid conservation, physicochemical variation, residue mobility, and thermodynamic stability) performed at Invitae indicates that this missense variant is not expected to disrupt COL5A1 protein function with a negative predictive value of 95%. In summary, the available evidence is currently insufficient to determine the role of this variant in disease. Therefore, it has been classified as a Variant of Uncertain Significance.

Women's Health and Genetics/Laboratory Corporation of America, LabCorp
Classification: Uncertain significance. Last evaluated: 2023-08-24. Review status: criteria provided, single submitter. Criteria: LabCorp Variant Classification Summary - May 2015. Collection method: clinical testing. Allele origin: germline.

NM_000093.5(COL5A1):c.539T>C (p.Ile180Thr)

Gene: COL5A1 (collagen type V alpha 1 chain; plus strand). Cytogenetic location: 9q34.3.
Variant type: single nucleotide variant.
Coding change: c.539T>C on transcript NM_000093.5 (MANE Select); coding-DNA position 539, T replaced by C.
Protein change: p.Ile180Thr; replaces isoleucine 180 with threonine.
Molecular consequence: missense variant.
Genome position (GRCh38, 1-based): chr9:134,701,218, T>C. VCF-style: chr9-134701218-T-C. GRCh37 (hg19) VCF-style: chr9-137593064-T-C.
Other names: c.539T>C, p.Ile180Thr (NM_001278074.1); short protein forms I180T.
Identifiers: ClinVar variation 2581327 (VCV002581327.4), dbSNP rs1833662205, ClinGen allele CA375443297.